The following is an entry in ClinVar:

NM_017617.5(NOTCH1):c.2677T>C (p.Cys893Arg)

Gene: NOTCH1 (notch receptor 1; minus strand). Cytogenetic location: 9q34.3.
Variant type: single nucleotide variant.
Coding change: c.2677T>C on transcript NM_017617.5 (MANE Select); coding-DNA position 2677, T replaced by C.
Protein change: p.Cys893Arg; replaces cysteine 893 with arginine.
Molecular consequence: missense variant.
Genome position (GRCh38, 1-based): chr9:136,510,716, A>G on the plus strand (T>C on the coding strand, the complement: NOTCH1 is on the minus strand). VCF-style: chr9-136510716-A-G. GRCh37 (hg19) VCF-style: chr9-139405168-A-G.
Other names: short protein forms C893R.
Identifiers: ClinVar variation 2748627 (VCV002748627.3), dbSNP rs1843166673, ClinGen allele CA375554890.
Genomic context (GRCh38, chr9:136,510,716, plus strand): 5'-GCCGGCAGTCGTCGATGTCGGTCTCGCAGTTGCGCCCACTGTAGCCGGCCTGGCAGTGGC[A>G]GCGGTAGCCGCCGTGGGTGTTCTGGCAGGATGCGCCGTGCCGGCACGGGCTCAGAACGCA-3'
Protein context (NP_060087.3, residues 883-903): SCQNTHGGYR[Cys893Arg]HCQAGYSGRN

ClinVar aggregate classification (germline): Uncertain significance (1 of 4 stars; one submission).

Conditions:
Adams-Oliver syndrome 5 (AOS5). Identifiers: Orphanet 974, MedGen C4014970, MONDO:0014459, OMIM 616028.

Submission:

Labcorp Genetics (formerly Invitae), Labcorp
Classification: Uncertain significance for Adams-Oliver syndrome 5. Last evaluated: 2023-10-17. Review status: criteria provided, single submitter. Criteria: Invitae Variant Classification Sherloc (09022015). Collection method: clinical testing. Allele origin: germline.
Comment: This sequence change replaces cysteine, which is neutral and slightly polar, with arginine, which is basic and polar, at codon 893 of the NOTCH1 protein (p.Cys893Arg). This variant is not present in population databases (gnomAD no frequency). This variant has not been reported in the literature in individuals affected with NOTCH1-related conditions. Advanced modeling of protein sequence and biophysical properties (such as structural, functional, and spatial information, amino acid conservation, physicochemical variation, residue mobility, and thermodynamic stability) performed at Invitae indicates that this missense variant is expected to disrupt NOTCH1 protein function. In summary, the available evidence is currently insufficient to determine the role of this variant in disease. Therefore, it has been classified as a Variant of Uncertain Significance.